The following is an entry in ClinVar:

NM_000059.4(BRCA2):c.9458G>T (p.Gly3153Val)

Gene: BRCA2 (BRCA2 DNA repair associated; plus strand). Cytogenetic location: 13q13.1.
Variant type: single nucleotide variant.
Coding change: c.9458G>T on transcript NM_000059.4 (MANE Select); coding-DNA position 9458, G replaced by T.
Protein change: p.Gly3153Val; replaces glycine 3153 with valine.
Molecular consequence: missense variant.
Genome position (GRCh38, 1-based): chr13:32,394,890, G>T. VCF-style: chr13-32394890-G-T. GRCh37 (hg19) VCF-style: chr13-32969027-G-T.
Other names: short protein forms G3153V.
Identifiers: ClinVar variation 96882 (VCV000096882.29), dbSNP rs80359220, ClinGen allele CA026168.

ClinVar aggregate classification (germline): Conflicting classifications of pathogenicity. Review status: criteria provided, conflicting classifications (1 of 4 stars). 8 submissions from 8 submitters: Uncertain significance (6); Likely benign (1). 1 of the submissions does not count toward it. Last evaluated 2025-05-08.

Conditions:
Hereditary cancer-predisposing syndrome. Also called: Hereditary Cancer Syndrome; Neoplastic Syndromes, Hereditary; Hereditary neoplastic syndrome; Tumor predisposition. Identifiers: Orphanet 140162, MedGen C0027672, MeSH D009386, MONDO:0015356.
Hereditary breast ovarian cancer syndrome. Also called: Breast and ovarian cancer; Hereditary breast and/or ovarian cancer syndrome; Hereditary breast and ovarian cancer; Hereditary breast and ovarian cancer syndrome; Hereditary breast and ovarian cancer syndrome (HBOC); BRCA1- and BRCA2-Associated Hereditary Breast and Ovarian Cancer. Identifiers: Orphanet 145, MedGen C0677776, MeSH D061325, MONDO:0003582. Disease mechanism: loss of function.
Breast-ovarian cancer, familial, susceptibility to, 2 (BROVCA2). Also called: BRCA2 Hereditary Breast and Ovarian Cancer. Identifiers: Orphanet 145, MedGen C2675520, MONDO:0012933, OMIM 612555. Disease mechanism: loss of function.
Familial cancer of breast. Also called: Hereditary breast cancer; BREAST CANCER, FAMILIAL; hereditary breast carcinoma. Identifiers: Orphanet 227535, MedGen C0346153, MONDO:0016419, OMIM 114480. Disease mechanism: loss of function.

Allele frequency attached by ClinVar (database versions not stated): TOPMed 0.00001.
gnomAD v4.1: 2 of 1,613,936 alleles (0.00012%); highest among the groups gnomAD compares: Non-Finnish European, 0.00017%; no homozygotes.

Submissions (8):

Ambry Genetics
Classification: Likely benign for Hereditary cancer-predisposing syndrome. Last evaluated: 2025-05-08. Review status: criteria provided, single submitter. Criteria: Ambry Variant Classification Scheme 2023. Collection method: clinical testing. Allele origin: germline.

Center for Genomic Medicine, Rigshospitalet, Copenhagen University Hospital
Classification: Uncertain significance. Last evaluated: 2025-03-04. Review status: criteria provided, single submitter. Criteria: ACMG Guidelines, 2015. Collection method: clinical testing. Allele origin: germline.

Labcorp Genetics (formerly Invitae), Labcorp
Classification: Uncertain significance for Hereditary breast ovarian cancer syndrome. Last evaluated: 2024-10-15. Review status: criteria provided, single submitter. Criteria: Invitae Variant Classification Sherloc (09022015). Collection method: clinical testing. Allele origin: germline.
Comment: This sequence change replaces glycine, which is neutral and non-polar, with valine, which is neutral and non-polar, at codon 3153 of the BRCA2 protein (p.Gly3153Val). This variant is not present in population databases (gnomAD no frequency). This variant has not been reported in the literature in individuals affected with BRCA2-related conditions. ClinVar contains an entry for this variant (Variation ID: 96882). Invitae Evidence Modeling of protein sequence and biophysical properties (such as structural, functional, and spatial information, amino acid conservation, physicochemical variation, residue mobility, and thermodynamic stability) indicates that this missense variant is not expected to disrupt BRCA2 protein function with a negative predictive value of 95%. In summary, the available evidence is currently insufficient to determine the role of this variant in disease. Therefore, it has been classified as a Variant of Uncertain Significance.

Women's Health and Genetics/Laboratory Corporation of America, LabCorp
Classification: Uncertain significance. Last evaluated: 2024-05-01. Review status: criteria provided, single submitter. Criteria: LabCorp Variant Classification Summary - May 2015. Collection method: clinical testing. Allele origin: germline.

Baylor Genetics
Classification: Uncertain significance for Familial cancer of breast. Last evaluated: 2023-09-08. Review status: criteria provided, single submitter. Criteria: ACMG Guidelines, 2015. Collection method: clinical testing. Allele origin: unknown.

Institute for Clinical Genetics, University Hospital TU Dresden, University Hospital TU Dresden
Classification: Uncertain significance. Last evaluated: 2021-11-03. Review status: criteria provided, single submitter. Criteria: ACMG Guidelines, 2015. Collection method: clinical testing. Allele origin: germline.

Color Diagnostics, LLC DBA Color Health
Classification: Uncertain significance for Hereditary cancer-predisposing syndrome. Last evaluated: 2019-05-01. Review status: criteria provided, single submitter. Criteria: ACMG Guidelines, 2015. Collection method: clinical testing. Allele origin: germline.

Sharing Clinical Reports Project (SCRP)
Classification: Uncertain significance for Breast-ovarian cancer, familial 2. Last evaluated: 2006-11-09. Review status: no assertion criteria provided. Collection method: clinical testing. Allele origin: germline. Not counted in ClinVar's aggregate classification.

Literature cited by the submitters: PubMed 39779848 (cited by Ambry Genetics); PubMed 39779857 (cited by Ambry Genetics).